The following is an entry in ClinVar:

NM_000181.4(GUSB):c.1586A>G (p.Tyr529Cys)

Genes: GUSB (glucuronidase beta; minus strand), LOC126860055 (MED14-independent group 3 enhancer GRCh37_chr7:65432190-65433389; plus strand). Cytogenetic location: 7q11.21.
Variant type: single nucleotide variant.
Coding change: c.1586A>G on transcript NM_000181.4 (MANE Select); coding-DNA position 1586, A replaced by G.
Protein change: p.Tyr529Cys; replaces tyrosine 529 with cysteine.
Molecular consequence: missense variant. On other transcripts: non-coding transcript variant (1).
Genome position (GRCh38, 1-based): chr7:65,967,798, T>C on the plus strand (A>G on the coding strand, the complement: GUSB is on the minus strand). VCF-style: chr7-65967798-T-C. GRCh37 (hg19) VCF-style: chr7-65432785-T-C.
Other names: c.1148A>G, p.Tyr383Cys (NM_001284290.2); c.1016A>G, p.Tyr339Cys (NM_001293104.2); c.929A>G, p.Tyr310Cys (NM_001293105.2); short protein forms Y529C, Y339C, Y383C, Y310C.
Identifiers: ClinVar variation 190464 (VCV000190464.3), dbSNP rs786205674, ClinGen allele CA199723.

ClinVar aggregate classification (germline): Conflicting classifications of pathogenicity. Review status: criteria provided, conflicting classifications (1 of 4 stars). 2 submissions from 2 submitters: Likely pathogenic (1); Uncertain significance (1). Last evaluated 2024-03-11.

Conditions:
Non-immune hydrops fetalis (NIHF). Also called: Fetal edema; Idiopathic hydrops fetalis; Familial non-immune hydrops fetalis. Identifiers: Orphanet 363999, MedGen C0455988, MONDO:0009369, OMIM 236750, HP:0001790.

Allele frequency attached by ClinVar (database versions not stated): gnomAD exomes below 0.00001.

Submissions (2):

Women's Health and Genetics/Laboratory Corporation of America, LabCorp
Classification: Uncertain significance. Last evaluated: 2024-03-11. Review status: criteria provided, single submitter. Criteria: LabCorp Variant Classification Summary - May 2015. Collection method: clinical testing. Allele origin: germline.
Comment: Variant summary: GUSB c.1586A>G (p.Tyr529Cys) results in a non-conservative amino acid change located in the Glycoside hydrolase family 2, catalytic domain (IPR006103) of the encoded protein sequence. Four of five in-silico tools predict a damaging effect of the variant on protein function. The variant was absent in 250702 control chromosomes. c.1586A>G has been reported in the literature in individuals affected with hydrops fetalis (Shamseldin_2015). These data indicate that the variant may be associated with disease. To our knowledge, no experimental evidence demonstrating an impact on protein function has been reported. The following publication have been ascertained in the context of this evaluation (PMID: 26036949). ClinVar contains an entry for this variant (Variation ID: 190464). Based on the evidence outlined above, the variant was classified as VUS-possibly pathogenic.

Genomic Medicine Center of Excellence, King Faisal Specialist Hospital and Research Centre
Classification: Likely pathogenic for Non-Immune hydrops fetalis. Last evaluated: 2014-12-29. Review status: criteria provided, single submitter. Criteria: Submitter's publication. Collection method: research. Allele origin: germline. Affected: yes. Observed: 2 homozygotes.

Literature cited by the submitters: PubMed 26036949 (cited by Women's Health and Genetics/Laboratory Corporation of America, LabCorp).